The following is an entry in ClinVar:

NM_001267550.2(TTN):c.17461+1G>T

Genes: TTN (titin; minus strand), LOC126806431 (CDK7 strongly-dependent group 2 enhancer GRCh37_chr2:179595719-179596918; plus strand). Cytogenetic location: 2q31.2.
Variant type: single nucleotide variant.
Coding change: c.17461+1G>T on transcript NM_001267550.2 (MANE Select); the canonical splice donor site of the intron after coding-DNA position 17461, G replaced by T.
Molecular consequence: splice donor variant. On other transcripts: intron variant (3).
Genome position (GRCh38, 1-based): chr2:178,731,304, C>A on the plus strand (G>T on the coding strand, the complement: TTN is on the minus strand). VCF-style: chr2-178731304-C-A. GRCh37 (hg19) VCF-style: chr2-179596031-C-A.
Other names: c.13282+6778G>T (NM_003319.4); c.13858+6778G>T (NM_133437.4); c.13657+6778G>T (NM_133432.3); c.13729+1G>T (NM_133378.4); c.16510+1G>T (NM_001256850.1).
Identifiers: ClinVar variation 489107 (VCV000489107.9), dbSNP rs747990127, ClinGen allele CA2001830.

ClinVar aggregate classification (germline): Conflicting classifications of pathogenicity. Review status: criteria provided, conflicting classifications (1 of 4 stars). 3 submissions from 3 submitters: Likely pathogenic (2); Uncertain significance (1). Last evaluated 2025-05-23.

Conditions:
Dilated cardiomyopathy 1G (CMD1G). Identifiers: Orphanet 154, MedGen C1858763, MONDO:0011400, OMIM 604145.
Autosomal recessive limb-girdle muscular dystrophy type 2J (LGMDR10). Also called: Limb-girdle muscular dystrophy, type 2J; MUSCULAR DYSTROPHY, LIMB-GIRDLE, AUTOSOMAL RECESSIVE 10. Identifiers: Orphanet 140922, MedGen C1837342, MONDO:0012127, OMIM 608807.
TTN-related disorder. Also called: TTN-related condition; TTN-related disease; TTN-related disorders.

Allele frequency attached by ClinVar (database versions not stated): TOPMed 0.00001; gnomAD 0.00003; 1000 Genomes Project 30x 0.00016.
gnomAD v4.1: 8 of 1,613,596 alleles (0.0005%); highest among the groups gnomAD compares: Middle Eastern, 0.033%; no homozygotes.

Submissions (3):

Labcorp Genetics (formerly Invitae), Labcorp
Classification: Likely pathogenic for Dilated cardiomyopathy 1G; Autosomal recessive limb-girdle muscular dystrophy type 2J. Last evaluated: 2025-05-23. Review status: criteria provided, single submitter. Criteria: Invitae Variant Classification Sherloc (09022015). Collection method: clinical testing. Allele origin: germline.
Comment: This sequence change affects a donor splice site in intron 59 of the TTN gene. It is expected to disrupt RNA splicing and likely results in a truncated or disrupted TTN protein. This variant is present in population databases (rs747990127, gnomAD 0.003%). This variant has not been reported in the literature in individuals affected with TTN-related conditions. ClinVar contains an entry for this variant (Variation ID: 489107). Algorithms developed to predict the effect of sequence changes on RNA splicing suggest that this variant may disrupt the consensus splice site. This variant is located in the I band of TTN (PMID: 25589632). Truncating variants in this region have been reported in individuals affected with autosomal recessive centronuclear myopathy (PMID: 23975875, internal data). Truncating variants in this region have also been identified in individuals affected with autosomal dominant dilated cardiomyopathy and/or cardio-related conditions (PMID: 27869827, 32964742, internal data). In summary, the currently available evidence indicates that the variant is pathogenic, but additional data are needed to prove that conclusively. Therefore, this variant has been classified as Likely Pathogenic.

PreventionGenetics, part of Exact Sciences
Classification: Likely pathogenic for TTN-related condition. Last evaluated: 2022-11-07. Review status: criteria provided, single submitter. Criteria: ACMG Guidelines, 2015. Collection method: clinical testing. Allele origin: germline.
Comment: The TTN c.17461+1G>T variant is predicted to disrupt the GT donor site and interfere with normal splicing. which is predicted to disrupt the GT donor site and interfere with normal splicing. To our knowledge, this variant has not been reported in the literature. This variant is reported in 0.0028% of alleles in individuals of Latino descent in gnomAD. This variant is located in the TTN protein I-band region. RNAseq studies from heart tissue indicate this exon is not commonly included in TTN mRNA transcripts (PSI of 7%-16%); however, this analysis in muscle tissue was not performed (Roberts A.M. et al. 2015. PMID: 25589632). TTN truncating variants in the heterozygous state are reported in 1-2% of presumably healthy individuals and occur more frequently in exons with low PSI values, indicating this variant is less likely to cause TTN-related cardiac disorders (Roberts A.M. et al. 2015. PMID: 25589632; Herman D.S. et al. 2012. PMID: 22335739). However, many cases of recessive congenital titinopathies in which the individual is compound heterozygous for two loss of function variants in TTN have also been reported (See Ceyhan-Birsoy O. et al. 2013. PMID: 23975875; Chauveau C et al. 2014. PMID: 24105469; Evilä A et al. 2016. PMID: 27796757; Ge et al. 2019. PubMed ID: 31053406; Bryen et al. 2020. PubMed ID: 31660661). In summary, the c.17461+1G>T variant is likely pathogenic for autosomal recessive TTN-related disorders. However, it is uncertain if this variant would be causative for autosomal dominant TTN-related disorders.

GeneDx
Classification: Uncertain significance. Last evaluated: 2017-11-14. Review status: criteria provided, single submitter. Criteria: GeneDx Variant Classification (06012015). Collection method: clinical testing. Allele origin: germline. Affected: yes.
Comment: The c.16510+1G>T variant in the TTN gene has not been reported previously as a pathogenic variant nor as a benign variant, to our knowledge. This splice site variant destroys the canonical splice donor site in intron 57. It is predicted to cause abnormal gene splicing, either leading to an abnormal message that is subject to nonsense-mediated mRNA decay, or to an abnormal protein product if the message is used for protein translation. The c.16510+1G>T variant is not observed at a significant frequency in large population cohorts (Lek et al., 2016). We interpret c.16510+1G>T as a variant of uncertain significance.

Literature cited by the submitters: PubMed 25589632 (cited by Labcorp Genetics (formerly Invitae), Labcorp); PubMed 23975875 (cited by Labcorp Genetics (formerly Invitae), Labcorp); PubMed 27869827 (cited by Labcorp Genetics (formerly Invitae), Labcorp); PubMed 32964742 (cited by Labcorp Genetics (formerly Invitae), Labcorp).